The following is an entry in ClinVar:

ClinVar aggregate classification (germline): Uncertain significance (1 of 4 stars; one submission).

Conditions:
Inborn genetic diseases. Identifiers: MedGen C0950123, MeSH D030342.

gnomAD v4.1: 1 of 1,613,922 alleles (0.000062%); highest among the groups gnomAD compares: East Asian, 0.0022%; no homozygotes.

Submission:

Ambry Genetics
Classification: Uncertain significance for Inborn genetic diseases. Last evaluated: 2024-11-25. Review status: criteria provided, single submitter. Criteria: Ambry Variant Classification Scheme 2023. Collection method: clinical testing. Allele origin: germline.
Comment: The p.D309Y variant (also known as c.925G>T), located in coding exon 9 of the ANKRD26 gene, results from a G to T substitution at nucleotide position 925. The aspartic acid at codon 309 is replaced by tyrosine, an amino acid with highly dissimilar properties. This amino acid position is conserved. In addition, this alteration is predicted to be tolerated by in silico analysis. Based on the available evidence, the clinical significance of this variant remains unclear.

NM_014915.3(ANKRD26):c.925G>T (p.Asp309Tyr)

Gene: ANKRD26 (ankyrin repeat domain containing 26; minus strand). Cytogenetic location: 10p12.1.
Variant type: single nucleotide variant.
Coding change: c.925G>T on transcript NM_014915.3 (MANE Select); coding-DNA position 925, G replaced by T.
Protein change: p.Asp309Tyr; replaces aspartic acid 309 with tyrosine.
Molecular consequence: missense variant.
Genome position (GRCh38, 1-based): chr10:27,077,490, C>A on the plus strand (G>T on the coding strand, the complement: ANKRD26 is on the minus strand). VCF-style: chr10-27077490-C-A. GRCh37 (hg19) VCF-style: chr10-27366419-C-A.
Other names: c.925G>T, p.Asp309Tyr (NM_001256053.2); short protein forms D309Y.
Identifiers: ClinVar variation 3396698 (VCV003396698.1).